The following is an entry in ClinVar:

NM_007347.5(AP4E1):c.2091-9C>A

Gene: AP4E1 (adaptor related protein complex 4 subunit epsilon 1; plus strand). Cytogenetic location: 15q21.2.
Variant type: single nucleotide variant.
Coding change: c.2091-9C>A on transcript NM_007347.5 (MANE Select); 9 bases into the intron before coding-DNA position 2091, C replaced by A.
Molecular consequence: intron variant.
Genome position (GRCh38, 1-based): chr15:50,993,361, C>A. VCF-style: chr15-50993361-C-A. GRCh37 (hg19) VCF-style: chr15-51285558-C-A.
Other names: c.1866-9C>A (NM_001252127.2); c.2091-9C>A (NM_007347.4).
Identifiers: ClinVar variation 1631995 (VCV001631995.10), dbSNP rs369000416, ClinGen allele CA7559254.

ClinVar aggregate classification (germline): Likely benign. Review status: criteria provided, single submitter (1 of 4 stars). 2 submissions from 2 submitters: Likely benign (1). 1 of the submissions does not count toward it. Last evaluated 2025-06-22.

Conditions:
Spastic paraplegia. Identifiers: MedGen C0037772, HP:0001258.
AP4E1-related disorder. Also called: AP4E1-related condition.

Allele frequency attached by ClinVar (database versions not stated): ESP Exome Variant Server 0.00008.
gnomAD v4.1: 74 of 1,613,506 alleles (0.0046%); highest among the groups gnomAD compares: Middle Eastern, 0.016%; no homozygotes.

Submissions (2):

Labcorp Genetics (formerly Invitae), Labcorp
Classification: Likely benign for Spastic paraplegia. Last evaluated: 2025-06-22. Review status: criteria provided, single submitter. Criteria: Invitae Variant Classification Sherloc (09022015). Collection method: clinical testing. Allele origin: germline.

PreventionGenetics, part of Exact Sciences
Classification: Likely benign for AP4E1-related condition. Last evaluated: 2021-06-22. Review status: no assertion criteria provided. Collection method: clinical testing. Allele origin: germline. Not counted in ClinVar's aggregate classification.
Comment: This variant is classified as likely benign based on ACMG/AMP sequence variant interpretation guidelines (Richards et al. 2015 PMID: 25741868, with internal and published modifications).